The following is an entry in ClinVar:

NM_207421.4(PADI6):c.660G>A (p.Ala220=)

Genes: PADI6 (peptidyl arginine deiminase 6; plus strand), LOC126805634 (CDK7 strongly-dependent group 2 enhancer GRCh37_chr1:17707761-17708960; plus strand). Cytogenetic location: 1p36.13.
Variant type: single nucleotide variant.
Coding change: c.660G>A on transcript NM_207421.4 (MANE Select); coding-DNA position 660, G replaced by A.
Protein change: p.Ala220=; no amino-acid change (alanine 220 retained).
Molecular consequence: synonymous variant.
Genome position (GRCh38, 1-based): chr1:17,382,073, G>A. VCF-style: chr1-17382073-G-A. GRCh37 (hg19) VCF-style: chr1-17708568-G-A.
Identifiers: ClinVar variation 3054843 (VCV003054843.2), dbSNP rs747066917, ClinGen allele CA641437.

ClinVar aggregate classification (germline): Likely benign (0 of 4 stars; one submission).

Conditions:
PADI6-related disorder. Also called: PADI6-related condition.

Allele frequency attached by ClinVar (database versions not stated): ExAC 0.00002; TOPMed 0.00004.

Submission:

PreventionGenetics, part of Exact Sciences
Classification: Likely benign for PADI6-related condition. Last evaluated: 2021-11-29. Review status: no assertion criteria provided. Collection method: clinical testing. Allele origin: germline.
Comment: This variant is classified as likely benign based on ACMG/AMP sequence variant interpretation guidelines (Richards et al. 2015 PMID: 25741868, with internal and published modifications).